The following is an entry in ClinVar:

NM_001035.3(RYR2):c.11200C>T (p.Arg3734Cys)

Gene: RYR2 (ryanodine receptor 2; plus strand). Cytogenetic location: 1q43.
Variant type: single nucleotide variant.
Coding change: c.11200C>T on transcript NM_001035.3 (MANE Select); coding-DNA position 11200, C replaced by T.
Protein change: p.Arg3734Cys; replaces arginine 3734 with cysteine.
Molecular consequence: missense variant.
Genome position (GRCh38, 1-based): chr1:237,756,342, C>T. VCF-style: chr1-237756342-C-T. GRCh37 (hg19) VCF-style: chr1-237919642-C-T.
Other names: c.11200C>T, p.Arg3734Cys (LRG_402t1); short protein forms R3734C.
Identifiers: ClinVar variation 404208 (VCV000404208.17), dbSNP rs1060500150, ClinGen allele CA16610052.
Genomic context (GRCh38, chr1:237,756,342, plus strand): 5'-GTTCAGGAAAAAGAAATGGAAAAGCAAAAGCTTCTATACCAGCAAGCCCGACTCCACGAT[C>T]GTGGCGCGGCTGAGATGGTGCTACAGACAATCAGTGCCAGCAAAGGTAAGGTTCCTTGAG-3'
Protein context (NP_001026.2, residues 3724-3744): LLYQQARLHD[Arg3734Cys]GAAEMVLQTI

ClinVar aggregate classification (germline): Likely pathogenic. Review status: criteria provided, multiple submitters, no conflicts (2 of 4 stars). 3 submissions from 3 submitters: Likely pathogenic (3). Last evaluated 2025-07-27.

Conditions:
RYR2-related disorder. Also called: RYR2-related condition.
Catecholaminergic polymorphic ventricular tachycardia 1. Also called: RYR2-Related Catecholaminergic Polymorphic Ventricular Tachycardia; VENTRICULAR TACHYCARDIA, CATECHOLAMINERGIC POLYMORPHIC, 1, WITH OR WITHOUT ATRIAL DYSFUNCTION AND/OR DILATED CARDIOMYOPATHY; VENTRICULAR TACHYCARDIA, STRESS-INDUCED POLYMORPHIC 1. Identifiers: Orphanet 3286, MedGen C1631597, MONDO:0011484, OMIM 604772.

Submissions (3):

Labcorp Genetics (formerly Invitae), Labcorp
Classification: Likely pathogenic for Catecholaminergic polymorphic ventricular tachycardia 1. Last evaluated: 2025-07-27. Review status: criteria provided, single submitter. Criteria: Invitae Variant Classification Sherloc (09022015). Collection method: clinical testing. Allele origin: germline.
Comment: This sequence change replaces arginine, which is basic and polar, with cysteine, which is neutral and slightly polar, at codon 3734 of the RYR2 protein (p.Arg3734Cys). This variant is not present in population databases (gnomAD no frequency). This missense change has been observed in individuals with autosomal dominant catecholaminergic polymorphic ventricular tachycardia (PMID: 31112425; internal data). ClinVar contains an entry for this variant (Variation ID: 404208). Invitae Evidence Modeling of protein sequence and biophysical properties (such as structural, functional, and spatial information, amino acid conservation, physicochemical variation, residue mobility, and thermodynamic stability) indicates that this missense variant is expected to disrupt RYR2 protein function with a positive predictive value of 95%. In summary, the currently available evidence indicates that the variant is pathogenic, but additional data are needed to prove that conclusively. Therefore, this variant has been classified as Likely Pathogenic.

GeneDx
Classification: Likely pathogenic. Last evaluated: 2022-07-15. Review status: criteria provided, single submitter. Criteria: GeneDx Variant Classification Process June 2021. Collection method: clinical testing. Allele origin: germline. Affected: yes.
Comment: Identified in individuals with CPVT or sudden cardiac arrest referred for genetic testing at GeneDx and in published literature (Kawata et al., 2016; Giudicessi et al., 2019); Not observed at significant frequency in large population cohorts (gnomAD); In silico analysis supports that this missense variant has a deleterious effect on protein structure/function; Not located in one of the three hot-spot regions of the RYR2 gene, where the majority of pathogenic missense variants occur (Medeiros-Domingo et al., 2009); This variant is associated with the following publications: (PMID: 31112425, 27452199, 19926015)

Blueprint Genetics
Classification: Likely pathogenic for RYR2-related disorders. Last evaluated: 2021-09-28. Review status: criteria provided, single submitter. Criteria: ACMG Guidelines, 2015. Collection method: clinical testing. Allele origin: germline. Affected: yes. Observed: 2 variant alleles.

Literature cited by the submitters: PubMed 31112425 (cited by Labcorp Genetics (formerly Invitae), Labcorp).